The following is an entry in ClinVar:

ClinVar aggregate classification (germline): Likely benign (0 of 4 stars; one submission).

Conditions:
SMURF2-related disorder. Also called: SMURF2-related condition.

Allele frequency attached by ClinVar (database versions not stated): TOPMed 0.00001; gnomAD exomes 0.00008; gnomAD 0.00009; ExAC 0.00023; 1000 Genomes Project 30x 0.00047; 1000 Genomes Project 0.00060.
gnomAD v4.1: 135 of 1,614,050 alleles (0.0084%); highest among the groups gnomAD compares: South Asian, 0.14%; 1 homozygote.

Submission:

PreventionGenetics, part of Exact Sciences
Classification: Likely benign for SMURF2-related condition. Last evaluated: 2022-04-06. Review status: no assertion criteria provided. Collection method: clinical testing. Allele origin: germline.
Comment: This variant is classified as likely benign based on ACMG/AMP sequence variant interpretation guidelines (Richards et al. 2015 PMID: 25741868, with internal and published modifications).

NM_022739.4(SMURF2):c.1846A>G (p.Thr616Ala)

Gene: SMURF2 (SMAD specific E3 ubiquitin protein ligase 2; minus strand). Cytogenetic location: 17q23.3.
Variant type: single nucleotide variant.
Coding change: c.1846A>G on transcript NM_022739.4 (MANE Select); coding-DNA position 1846, A replaced by G.
Protein change: p.Thr616Ala; replaces threonine 616 with alanine.
Molecular consequence: missense variant.
Genome position (GRCh38, 1-based): chr17:64,551,607, T>C on the plus strand (A>G on the coding strand, the complement: SMURF2 is on the minus strand). VCF-style: chr17-64551607-T-C. GRCh37 (hg19) VCF-style: chr17-62547725-T-C.
Other names: short protein forms T616A.
Identifiers: ClinVar variation 3031216 (VCV003031216.2), dbSNP rs528473359, ClinGen allele CA8714810.